The following is an entry in ClinVar:

NM_198428.3(BBS9):c.621C>T (p.Tyr207=)

Gene: BBS9 (Bardet-Biedl syndrome 9; plus strand). Cytogenetic location: 7p14.3.
Variant type: single nucleotide variant.
Coding change: c.621C>T on transcript NM_198428.3 (MANE Select); coding-DNA position 621, C replaced by T.
Protein change: p.Tyr207=; no amino-acid change (tyrosine 207 retained).
Molecular consequence: synonymous variant. On other transcripts: non-coding transcript variant (3).
Genome position (GRCh38, 1-based): chr7:33,264,293, C>T. VCF-style: chr7-33264293-C-T. GRCh37 (hg19) VCF-style: chr7-33303905-C-T.
Other names: c.621C>T, p.Tyr207= (NM_001033604.2, NM_001033605.2, NM_001348036.1 and 5 more transcripts); c.255C>T, p.Tyr85= (NM_001348037.3, NM_001348044.3, NM_001348045.3 and 1 more transcripts); c.348C>T, p.Tyr116= (NM_001348038.3, NM_001348039.3); c.486C>T, p.Tyr162= (NM_001348042.3).
Identifiers: ClinVar variation 434500 (VCV000434500.37), dbSNP rs140169161, ClinGen allele CA4214063.

ClinVar aggregate classification (germline): Likely benign. Review status: criteria provided, multiple submitters, no conflicts (2 of 4 stars). 5 submissions from 5 submitters: Likely benign (5). Last evaluated 2026-09-01.

Conditions:
Bardet-Biedl syndrome (BBS). Identifiers: Orphanet 110, MedGen C0752166, MONDO:0015229.
Bardet-Biedl syndrome 9 (BBS9). Identifiers: Orphanet 110, MedGen C1859567, MONDO:0014437, OMIM 615986.

Allele frequency attached by ClinVar (database versions not stated): ExAC 0.00014; gnomAD exomes 0.00018 and 0.00027; ESP Exome Variant Server 0.00023; gnomAD 0.00026 and 0.00028; TOPMed 0.00029; 1000 Genomes Project 0.00040; 1000 Genomes Project 30x 0.00047.
gnomAD v4.1: 405 of 1,527,642 alleles (0.027%); highest among the groups gnomAD compares: Admixed American, 0.035%; 1 homozygote.

Submissions (5):

CeGaT Center for Human Genetics Tuebingen
Classification: Likely benign. Last evaluated: 2026-09-01. Review status: criteria provided, single submitter. Criteria: CeGaT Center For Human Genetics Tuebingen Variant Classification Criteria Version 2. Collection method: clinical testing. Allele origin: germline. Affected: yes. Observed: 2 variant alleles.
Comment: BBS9: BP4, BP7

Labcorp Genetics (formerly Invitae), Labcorp
Classification: Likely benign for Bardet-Biedl syndrome. Last evaluated: 2026-01-26. Review status: criteria provided, single submitter. Criteria: Invitae Variant Classification Sherloc (09022015). Collection method: clinical testing. Allele origin: germline.

Blueprint Genetics
Classification: Likely benign. Last evaluated: 2024-09-10. Review status: criteria provided, single submitter. Criteria: ACMG Guidelines, 2015. Collection method: clinical testing. Allele origin: germline.

Fulgent Genetics
Classification: Likely benign for Bardet-Biedl syndrome 9. Last evaluated: 2022-05-24. Review status: criteria provided, single submitter. Criteria: ACMG Guidelines, 2015. Collection method: clinical testing. Allele origin: unknown.

Genetic Services Laboratory, University of Chicago
Classification: Likely benign. Last evaluated: 2017-02-13. Review status: criteria provided, single submitter. Criteria: ACMG Guidelines, 2015. Collection method: clinical testing. Allele origin: germline. Affected: no.